The following is an entry in ClinVar:

NM_005660.3(SLC35A2):c.615C>T (p.Ala205=)

Gene: SLC35A2 (solute carrier family 35 member A2; minus strand). Cytogenetic location: Xp11.23.
Variant type: single nucleotide variant.
Coding change: c.615C>T on transcript NM_005660.3 (MANE Select); coding-DNA position 615, C replaced by T.
Protein change: p.Ala205=; no amino-acid change (alanine 205 retained).
Molecular consequence: synonymous variant. On other transcripts: intron variant (3).
Genome position (GRCh38, 1-based): chrX:48,905,294, G>A on the plus strand (C>T on the coding strand, the complement: SLC35A2 is on the minus strand). VCF-style: chrX-48905294-G-A. GRCh37 (hg19) VCF-style: chrX-48762571-G-A.
Other names: c.615C>T, p.Ala205= (NM_001042498.3); c.432C>T, p.Ala144= (NM_001282649.2); c.654C>T, p.Ala218= (NM_001282650.2); c.699C>T, p.Ala233= (NM_001282651.2); c.427-402C>T (NM_001282647.2, NM_001032289.3); c.355-402C>T (NM_001282648.2).
Identifiers: ClinVar variation 932492 (VCV000932492.47), dbSNP rs781922248, ClinGen allele CA10406110.

ClinVar aggregate classification (germline): Likely benign. Review status: criteria provided, multiple submitters, no conflicts (2 of 4 stars). 3 submissions from 3 submitters: Likely benign (3). Last evaluated 2026-01-01.

Conditions:
SLC35A2-congenital disorder of glycosylation. Also called: SLC35A2-CDG; EPILEPTIC ENCEPHALOPATHY, EARLY INFANTILE, 22; DEVELOPMENTAL AND EPILEPTIC ENCEPHALOPATHY 22; CONGENITAL DISORDER OF GLYCOSYLATION, TYPE IIm; CDG IIm; CONGENITAL DISORDER OF GLYCOSYLATION, TYPE IIm, SOMATIC MOSAIC. Identifiers: Orphanet 356961, MedGen C3806688, MONDO:0010478, OMIM 300896.

Allele frequency attached by ClinVar (database versions not stated): gnomAD 0.00006 and 0.00005; gnomAD exomes 0.00006 and 0.00003; TOPMed 0.00006; ExAC 0.00003.
gnomAD v4.1: 67 of 1,187,875 alleles (0.0056%); highest among the groups gnomAD compares: Non-Finnish European, 0.007%; no homozygotes.

Submissions (3):

CeGaT Center for Human Genetics Tuebingen
Classification: Likely benign. Last evaluated: 2026-01-01. Review status: criteria provided, single submitter. Criteria: CeGaT Center For Human Genetics Tuebingen Variant Classification Criteria Version 2. Collection method: clinical testing. Allele origin: germline. Affected: yes. Observed: 1 variant allele.
Comment: SLC35A2: BP4, BP7, BS2

Labcorp Genetics (formerly Invitae), Labcorp
Classification: Likely benign for SLC35A2-congenital disorder of glycosylation. Last evaluated: 2024-08-24. Review status: criteria provided, single submitter. Criteria: Invitae Variant Classification Sherloc (09022015). Collection method: clinical testing. Allele origin: germline.

Blueprint Genetics
Classification: Likely benign. Last evaluated: 2024-06-20. Review status: criteria provided, single submitter. Criteria: ACMG Guidelines, 2015. Collection method: clinical testing. Allele origin: germline.